The following is an entry in ClinVar:

ClinVar aggregate classification (germline): Uncertain significance (1 of 4 stars; one submission).

gnomAD v4.1: 4 of 152,236 alleles (0.0026%); highest among the groups gnomAD compares: Admixed American, 0.0065%; no homozygotes.

Submission:

Institute for Human Genetics, University Hospital Essen
Classification: Uncertain significance. Last evaluated: 2025-11-27. Review status: criteria provided, single submitter. Criteria: Submitter's publication. Collection method: clinical testing. Allele origin: inherited. Inheritance: Autosomal unknown. Affected: yes. Observed: 1 variant allele, 1 compound heterozygote.
Comment: PM1_supp, PM2_supp, PP1 (criteria rationale detailed in Leitão et al. Nature Genetics 2026)

NR_199791.1(RNU2-2):n.66A>G

Genes: RNU2-2 (RNA, U2 small nuclear 2; minus strand), WDR74 (WD repeat domain 74; minus strand). Cytogenetic location: 11q12.3.
Variant type: single nucleotide variant.
Molecular consequence: non-coding transcript variant (on NR_199791.1). On other transcripts: 5 prime UTR variant (1).
Genome position: GRCh38 VCF-style: chr11-62841744-T-C. GRCh37 (hg19) VCF-style: chr11-62609216-T-C.
Other names: c.-473A>G (NM_001369451.1).
Identifiers: ClinVar variation 4540492 (VCV004540492.1).
Genomic context (GRCh38, chr11:62,841,744, plus strand): 5'-TCCTATTCCATCTCCTATTTCCAAAAATCCATTTAATATATTGTCCTCGGATAGAGGACG[T>C]ATCAGATATTAAACTGATAAGAACAGATACTACACTTGATCTTAGCCAAAAGGCCGAGAA-3'